The following is an entry in ClinVar:

NM_001308319.2(CHD9):c.5072G>C (p.Gly1691Ala)

Gene: CHD9 (chromodomain helicase DNA binding protein 9; plus strand). Cytogenetic location: 16q12.2.
Variant type: single nucleotide variant.
Coding change: c.5072G>C on transcript NM_001308319.2 (MANE Select); coding-DNA position 5072, G replaced by C.
Protein change: p.Gly1691Ala; replaces glycine 1691 with alanine.
Molecular consequence: missense variant.
Genome position (GRCh38, 1-based): chr16:53,286,226, G>C. VCF-style: chr16-53286226-G-C. GRCh37 (hg19) VCF-style: chr16-53320138-G-C.
Other names: c.5072G>C, p.Gly1691Ala (NM_001352127.3, NM_001382353.1, NM_025134.7); c.3650G>C, p.Gly1217Ala (NM_001352156.3, NM_001352157.3); c.3551G>C, p.Gly1184Ala (NM_001352158.3, NM_001382354.1, NM_001382355.1); short protein forms G1184A, G1217A, G1691A.
Identifiers: ClinVar variation 4891197 (VCV004891197.1).
Genomic context (GRCh38, chr16:53,286,226, plus strand): 5'-ATATGTATACACCTTTCTTCTTTTTATCTTTTTTACTTTTGTAATTGGTGATGTTTTCAG[G>C]ATATGAAAAATATAACACTATTCGAGCAGACCCAGCATTATGCTTCTTGGAAAGAGTGGG-3'
Protein context (NP_001295248.1, residues 1681-1701): KSLLIGVFKH[Gly1691Ala]YEKYNTIRAD

ClinVar aggregate classification (germline): Uncertain significance (1 of 4 stars; one submission).

Submission:

Greenwood Genetic Center Diagnostic Laboratories, Greenwood Genetic Center
Classification: Uncertain significance. Last evaluated: 2026-04-06. Review status: criteria provided, single submitter. Criteria: ACMG Guidelines, 2015. Collection method: clinical testing. Allele origin: germline.
Comment: Gene of Uncertain Significance